The following is an entry in ClinVar:

ClinVar aggregate classification (germline): Uncertain significance. Review status: criteria provided, multiple submitters, no conflicts (2 of 4 stars). 2 submissions from 2 submitters: Uncertain significance (2). Last evaluated 2024-09-16.

Conditions:
Hennekam lymphangiectasia-lymphedema syndrome 2 (HKLLS2). Identifiers: Orphanet 2136, MedGen C4014939, MONDO:0014454, OMIM 616006.
Van Maldergem syndrome 2 (VMLDS2). Identifiers: Orphanet 314679, MedGen C3809875, MONDO:0014242, OMIM 615546.

gnomAD v4.1: 4 of 1,614,106 alleles (0.00025%); highest among the groups gnomAD compares: Non-Finnish European, 0.00034%; no homozygotes.

Submissions (2):

Labcorp Genetics (formerly Invitae), Labcorp
Classification: Uncertain significance. Last evaluated: 2024-09-16. Review status: criteria provided, single submitter. Criteria: Invitae Variant Classification Sherloc (09022015). Collection method: clinical testing. Allele origin: germline.
Comment: This sequence change replaces asparagine, which is neutral and polar, with serine, which is neutral and polar, at codon 2148 of the FAT4 protein (p.Asn2148Ser). This variant is not present in population databases (gnomAD no frequency). This variant has not been reported in the literature in individuals affected with FAT4-related conditions. Invitae Evidence Modeling of protein sequence and biophysical properties (such as structural, functional, and spatial information, amino acid conservation, physicochemical variation, residue mobility, and thermodynamic stability) has been performed for this missense variant. However, the output from this modeling did not meet the statistical confidence thresholds required to predict the impact of this variant on FAT4 protein function. In summary, the available evidence is currently insufficient to determine the role of this variant in disease. Therefore, it has been classified as a Variant of Uncertain Significance.

Fulgent Genetics
Classification: Uncertain significance for Van Maldergem syndrome 2; Hennekam lymphangiectasia-lymphedema syndrome 2. Last evaluated: 2024-03-18. Review status: criteria provided, single submitter. Criteria: ACMG Guidelines, 2015. Collection method: clinical testing. Allele origin: germline.

NM_001291303.3(FAT4):c.6443A>G (p.Asn2148Ser)

Gene: FAT4 (FAT atypical cadherin 4; plus strand). Cytogenetic location: 4q28.1.
Variant type: single nucleotide variant.
Coding change: c.6443A>G on transcript NM_001291303.3 (MANE Select); coding-DNA position 6443, A replaced by G.
Protein change: p.Asn2148Ser; replaces asparagine 2148 with serine.
Molecular consequence: missense variant.
Genome position (GRCh38, 1-based): chr4:125,415,406, A>G. VCF-style: chr4-125415406-A-G. GRCh37 (hg19) VCF-style: chr4-126336561-A-G.
Other names: c.6443A>G, p.Asn2148Ser (NM_001291285.3, NM_024582.6); c.6443A>G (NM_024582.5); short protein forms N2148S.
Identifiers: ClinVar variation 3589984 (VCV003589984.2).